The following is an entry in ClinVar:

ClinVar aggregate classification (germline): Likely pathogenic (1 of 4 stars; one submission).

Conditions:
Hereditary cancer-predisposing syndrome. Also called: Neoplastic Syndromes, Hereditary; Hereditary Cancer Syndrome; Hereditary neoplastic syndrome; Tumor predisposition. Identifiers: Orphanet 140162, MedGen C0027672, MeSH D009386, MONDO:0015356.

Submission:

Ambry Genetics
Classification: Likely pathogenic for Hereditary cancer-predisposing syndrome. Last evaluated: 2025-09-24. Review status: criteria provided, single submitter. Criteria: Ambry Variant Classification Scheme 2023. Collection method: clinical testing. Allele origin: germline.
Comment: The c.38-1G>C intronic variant results from a G to C substitution one nucleotide upstream from coding exon 2 of the BAP1 gene. This variant was reported in individual(s) with features consistent with BAP1-associated disease (Ambry internal data). This nucleotide position is highly conserved in available vertebrate species In silico splice site analysis predicts that this alteration will weaken the native splice acceptor site and will result in the creation or strengthening of a novel splice acceptor site. The resulting transcript is predicted to be in-frame and is not expected to trigger nonsense-mediated mRNA decay; however, direct evidence is unavailable. This alteration was non-functional in a high throughput genome editing haploid cell survival functional assay (Waters, AJ et al. Nat Genet 2024 Jul;56(7):1434-1445). This variant is considered to be rare based on population cohorts in the Genome Aggregation Database (gnomAD). Based on the majority of available evidence to date, this variant is likely to be pathogenic.

Literature cited by the submitters: PubMed 38969833.

NM_004656.4(BAP1):c.38-1G>C

Gene: BAP1 (BRCA1 associated deubiquitinase 1; minus strand). Cytogenetic location: 3p21.1.
Variant type: single nucleotide variant.
Coding change: c.38-1G>C on transcript NM_004656.4 (MANE Select); the canonical splice acceptor site of the intron before coding-DNA position 38, G replaced by C.
Molecular consequence: splice acceptor variant.
Genome position (GRCh38, 1-based): chr3:52,409,744, C>G on the plus strand (G>C on the coding strand, the complement: BAP1 is on the minus strand). VCF-style: chr3-52409744-C-G. GRCh37 (hg19) VCF-style: chr3-52443760-C-G.
Other names: c.38-1G>C (NM_001410772.1).
Identifiers: ClinVar variation 2565162 (VCV002565162.3), dbSNP rs1553646367, ClinGen allele CA353115001.